The following is an entry in ClinVar:

ClinVar aggregate classification (germline): Uncertain significance (1 of 4 stars; one submission).

Conditions:
Spinocerebellar ataxia, autosomal recessive, with axonal neuropathy 2 (SCAN2). Also called: Ataxia with Oculomotor Apraxia; Ataxia with Oculomotor Apraxia Type 2; ATAXIA-OCULOMOTOR APRAXIA 2; Ataxia-ocular apraxia-2. Identifiers: Orphanet 64753, MedGen C1853761, MONDO:0018996, OMIM 606002.
Amyotrophic lateral sclerosis type 4 (ALS4). Also called: NEURONOPATHY, DISTAL HEREDITARY MOTOR, WITH PYRAMIDAL FEATURES; AMYOTROPHIC LATERAL SCLEROSIS 4, JUVENILE. Identifiers: Orphanet 357043, MedGen C1865409, MONDO:0011223, OMIM 602433.

Allele frequency attached by ClinVar (database versions not stated): gnomAD 0.00001; gnomAD exomes 0.00001; ExAC 0.00002.
gnomAD v4.1: 14 of 1,593,396 alleles (0.00088%); highest among the groups gnomAD compares: East Asian, 0.011%; no homozygotes.

Submission:

Labcorp Genetics (formerly Invitae), Labcorp
Classification: Uncertain significance for Amyotrophic lateral sclerosis type 4; Spinocerebellar ataxia, autosomal recessive, with axonal neuropathy 2. Last evaluated: 2025-08-05. Review status: criteria provided, single submitter. Criteria: Invitae Variant Classification Sherloc (09022015). Collection method: clinical testing. Allele origin: germline.
Comment: This sequence change falls in intron 23 of the SETX gene. It does not directly change the encoded amino acid sequence of the SETX protein. This variant is present in population databases (rs771424218, gnomAD 0.02%). This variant has not been reported in the literature in individuals affected with SETX-related conditions. ClinVar contains an entry for this variant (Variation ID: 2051800). Algorithms developed to predict the effect of sequence changes on RNA splicing suggest that this variant may create or strengthen a splice site. In summary, the available evidence is currently insufficient to determine the role of this variant in disease. Therefore, it has been classified as a Variant of Uncertain Significance.

NM_015046.7(SETX):c.7101-16T>C

Gene: SETX (senataxin; minus strand). Cytogenetic location: 9q34.13.
Variant type: single nucleotide variant.
Coding change: c.7101-16T>C on transcript NM_015046.7 (MANE Select); 16 bases into the intron before coding-DNA position 7101, T replaced by C.
Molecular consequence: intron variant.
Genome position (GRCh38, 1-based): chr9:132,271,824, A>G on the plus strand (T>C on the coding strand, the complement: SETX is on the minus strand). VCF-style: chr9-132271824-A-G. GRCh37 (hg19) VCF-style: chr9-135147211-A-G.
Other names: c.7101-16T>C (NM_001351528.2, NM_001351527.2).
Identifiers: ClinVar variation 2051800 (VCV002051800.4), dbSNP rs771424218, ClinGen allele CA5296506.